The following is an entry in ClinVar:

ClinVar aggregate classification (germline): Likely pathogenic (1 of 4 stars; one submission).

Conditions:
Autosomal recessive limb-girdle muscular dystrophy type 2Y (MRRSDC). Also called: Muscular dystrophy, autosomal recessive, with rigid spine and distal joint contractures; Muscular dystrophy, limb-girdle, type 2y. Identifiers: Orphanet 424261, MedGen C4511482, MONDO:0014900, OMIM 617072.

gnomAD v4.1: 3 of 1,591,334 alleles (0.00019%); highest among the groups gnomAD compares: Non-Finnish European, 0.00026%; no homozygotes.

Submission:

Labcorp Genetics (formerly Invitae), Labcorp
Classification: Likely pathogenic for Autosomal recessive limb-girdle muscular dystrophy type 2Y. Last evaluated: 2021-05-04. Review status: criteria provided, single submitter. Criteria: Invitae Variant Classification Sherloc (09022015). Collection method: clinical testing. Allele origin: germline.
Comment: This sequence change affects a donor splice site in intron 5 of the TOR1AIP1 gene. It is expected to disrupt RNA splicing and likely results in an absent or disrupted protein product. This variant is not present in population databases (ExAC no frequency). This variant has not been reported in the literature in individuals with TOR1AIP1-related conditions. Donor and acceptor splice site variants typically lead to a loss of protein function (PMID: 16199547), and loss-of-function variants in TOR1AIP1 are known to be pathogenic (PMID: 4856141, 27342937). In summary, the currently available evidence indicates that the variant is pathogenic, but additional data are needed to prove that conclusively. Therefore, this variant has been classified as Likely Pathogenic.

Literature cited by the submitters: PubMed 16199547; PubMed 4856141; PubMed 27342937.

NM_015602.4(TOR1AIP1):c.739+1G>A

Gene: TOR1AIP1 (torsin 1A interacting protein 1; plus strand). Cytogenetic location: 1q25.2.
Variant type: single nucleotide variant.
Coding change: c.739+1G>A on transcript NM_015602.4 (MANE Select); the canonical splice donor site of the intron after coding-DNA position 739, G replaced by A.
Molecular consequence: splice donor variant.
Genome position (GRCh38, 1-based): chr1:179,901,389, G>A. VCF-style: chr1-179901389-G-A. GRCh37 (hg19) VCF-style: chr1-179870524-G-A.
Other names: c.742+1G>A (NM_001267578.2).
Identifiers: ClinVar variation 1466030 (VCV001466030.1), dbSNP rs900977276, ClinGen allele CA33679981.